The following is an entry in ClinVar:

NM_004859.4(CLTC):c.1782+3A>G

Gene: CLTC (clathrin heavy chain; plus strand). Cytogenetic location: 17q23.1.
Variant type: single nucleotide variant.
Coding change: c.1782+3A>G on transcript NM_004859.4 (MANE Select); 3 bases into the intron after coding-DNA position 1782, A replaced by G.
Molecular consequence: intron variant.
Genome position (GRCh38, 1-based): chr17:59,666,243, A>G. VCF-style: chr17-59666243-A-G. GRCh37 (hg19) VCF-style: chr17-57743604-A-G.
Other names: c.1794+3A>G (NM_001288653.2).
Identifiers: ClinVar variation 3726551 (VCV003726551.2).

ClinVar aggregate classification (germline): Uncertain significance (1 of 4 stars; one submission).

Submission:

Labcorp Genetics (formerly Invitae), Labcorp
Classification: Uncertain significance. Last evaluated: 2024-12-03. Review status: criteria provided, single submitter. Criteria: Invitae Variant Classification Sherloc (09022015). Collection method: clinical testing. Allele origin: germline.
Comment: This sequence change falls in intron 11 of the CLTC gene. It does not directly change the encoded amino acid sequence of the CLTC protein. It affects a nucleotide within the consensus splice site. This variant is not present in population databases (gnomAD no frequency). This variant has not been reported in the literature in individuals affected with CLTC-related conditions. Variants that disrupt the consensus splice site are a relatively common cause of aberrant splicing (PMID: 17576681, 9536098). Algorithms developed to predict the effect of sequence changes on RNA splicing suggest that this variant may disrupt the consensus splice site. In summary, the available evidence is currently insufficient to determine the role of this variant in disease. Therefore, it has been classified as a Variant of Uncertain Significance.

Literature cited by the submitters: PubMed 17576681; PubMed 9536098.